The following is an entry in ClinVar:

NM_001376013.1(EPB41):c.1366-2A>G

Gene: EPB41 (erythrocyte membrane protein band 4.1; plus strand). Cytogenetic location: 1p35.3.
Variant type: single nucleotide variant.
Coding change: c.1366-2A>G on transcript NM_001376013.1 (MANE Select); the canonical splice acceptor site of the intron before coding-DNA position 1366, A replaced by G.
Molecular consequence: splice acceptor variant.
Genome position (GRCh38, 1-based): chr1:29,035,824, A>G. VCF-style: chr1-29035824-A-G. GRCh37 (hg19) VCF-style: chr1-29362336-A-G.
Other names: c.739-2A>G (NM_203342.3, NM_004437.4, NM_001376022.1 and 7 more transcripts); c.1366-2A>G (NM_001166005.2, NM_001376014.1, NM_001376015.1 and 7 more transcripts); c.1261-2A>G (NM_203343.3).
Identifiers: ClinVar variation 4885206 (VCV004885206.2).

ClinVar aggregate classification (germline): Likely pathogenic (1 of 4 stars; one submission).

gnomAD v4.1: 1 of 1,610,924 alleles (0.000062%); highest among the groups gnomAD compares: Admixed American, 0.0017%; no homozygotes.

Submission:

Dasa
Classification: Likely pathogenic. Last evaluated: 2025-01-25. Review status: criteria provided, single submitter. Criteria: DASA Assertion Criteria. Collection method: clinical testing. Allele origin: germline.
Comment: NM_001376013.1(EPB41):c.1366-2A>G affects a canonical splice site and is predicted to disrupt normal RNA splicing. Loss of function is an established disease mechanism for EPB41-associated disorders. Also, this variant is rare in population databases. Based on the currently available evidence, this variant is classified as likely pathogenic.